The following is an entry in ClinVar:

ClinVar aggregate classification (germline): Conflicting classifications of pathogenicity. Review status: criteria provided, conflicting classifications (1 of 4 stars). 3 submissions from 3 submitters: Uncertain significance (1); Likely benign (1). 1 of the submissions does not count toward it. Last evaluated 2022-07-25.

Conditions:
NEB-related disorder. Also called: NEB-related condition; NEB-Related Disorders.
Nemaline myopathy 2 (NEM2). Also called: Nemaline myopathy 2, autosomal recessive. Identifiers: MedGen C1850569, MONDO:0009725, OMIM 256030.

Submissions (3):

Labcorp Genetics (formerly Invitae), Labcorp
Classification: Uncertain significance for Nemaline myopathy 2. Last evaluated: 2022-07-25. Review status: criteria provided, single submitter. Criteria: Invitae Variant Classification Sherloc (09022015). Collection method: clinical testing. Allele origin: germline.
Comment: This variant occurs in a region of NEB (Exons 82-105) consisting of three highly homologous 8-exon repeat units (exons 82-89, exons 90-97, exons 98-105). Sequence variants in this region can be detected, but this assay cannot determine which of the three repeat units is affected, and zygosity is often ambiguous. All variants in this region are reported relative to the exon 82-89 repeat. This sequence change replaces isoleucine, which is neutral and non-polar, with methionine, which is neutral and non-polar, at codon 4123 of the NEB protein (p.Ile4123Met). The frequency data for this variant in the population databases (gnomAD) is considered unreliable due to the presence of homologous sequence, such as pseudogenes or paralogs, in the genome. This variant has not been reported in the literature in individuals affected with NEB-related conditions. ClinVar contains an entry for this variant (Variation ID: 465446). Algorithms developed to predict the effect of missense changes on protein structure and function are either unavailable or do not agree on the potential impact of this missense change (SIFT: "Deleterious"; PolyPhen-2: "Not Available"; Align-GVGD: "Class C0"). In summary, the available evidence is currently insufficient to determine the role of this variant in disease. Therefore, it has been classified as a Variant of Uncertain Significance.

GeneDx
Classification: Likely benign. Last evaluated: 2017-12-14. Review status: criteria provided, single submitter. Criteria: GeneDx Variant Classification (06012015). Collection method: clinical testing. Allele origin: germline. Affected: yes.
Comment: This variant is considered likely benign or benign based on one or more of the following criteria: it is a conservative change, it occurs at a poorly conserved position in the protein, it is predicted to be benign by multiple in silico algorithms, and/or has population frequency not consistent with disease.

PreventionGenetics, part of Exact Sciences
Classification: Uncertain significance for NEB-related condition. Last evaluated: 2024-02-23. Review status: no assertion criteria provided. Collection method: clinical testing. Allele origin: germline. Not counted in ClinVar's aggregate classification.
Comment: The NEB c.12369C>G variant is predicted to result in the amino acid substitution p.Ile4123Met. To our knowledge, this variant has not been reported in the literature or in a large population database, indicating this variant is rare. However, this variant resides in a highly homologous triplicated region in NEB which consists of eight exons that are repeated three times (82-89, 90-97, 98-105) and allele frequency data should be interpreted with caution. At this time, the clinical significance of this variant is uncertain due to the absence of conclusive functional and genetic evidence.

NM_001164508.2(NEB):c.12369C>G (p.Ile4123Met)

Gene: NEB (nebulin; minus strand). Cytogenetic location: 2q23.3.
Variant type: single nucleotide variant.
Coding change: c.12369C>G on transcript NM_001164508.2 (MANE Select); coding-DNA position 12369, C replaced by G.
Protein change: p.Ile4123Met; replaces isoleucine 4123 with methionine.
Molecular consequence: missense variant. On other transcripts: intron variant (1).
Genome position (GRCh38, 1-based): chr2:151,608,638, G>C on the plus strand (C>G on the coding strand, the complement: NEB is on the minus strand). VCF-style: chr2-151608638-G-C. GRCh37 (hg19) VCF-style: chr2-152465152-G-C.
Other names: c.12369C>G, p.Ile4123Met (NM_001164507.2, NM_001271208.2); c.11601+1171C>G (NM_004543.5); short protein forms I4123M.
Identifiers: ClinVar variation 465446 (VCV000465446.7), dbSNP rs1277282343, ClinGen allele CA348776193.
Genomic context (GRCh38, chr2:151,608,638, plus strand): 5'-CACGAGGTCTTGAGCAACCTTCACTCTGTTCATTTCCACTGAGCCTTCTGGCATCCAGCC[G>C]ATGCCACGCAGCCACTCCAGGTCTGCCTTATACACACTCTATAAAGAAGATGTCAGACAA-3'
Protein context (NP_001157980.2, residues 4113-4133): YKADLEWLRG[Ile4123Met]GWMPEGSVEM